The following is an entry in ClinVar:

NM_006790.3(MYOT):c.1401T>A (p.Asn467Lys)

Genes: MYOT (myotilin; plus strand), PKD2L2-DT (PKD2L2 divergent transcript; minus strand). Cytogenetic location: 5q31.2.
Variant type: single nucleotide variant.
Coding change: c.1401T>A on transcript NM_006790.3 (MANE Select); coding-DNA position 1401, T replaced by A.
Protein change: p.Asn467Lys; replaces asparagine 467 with lysine.
Molecular consequence: missense variant.
Genome position (GRCh38, 1-based): chr5:137,887,289, T>A. VCF-style: chr5-137887289-T-A. GRCh37 (hg19) VCF-style: chr5-137222978-T-A.
Other names: c.849T>A, p.Asn283Lys (NM_001135940.2); c.1056T>A, p.Asn352Lys (NM_001300911.2); short protein forms N467K, N283K, N352K.
Identifiers: ClinVar variation 351029 (VCV000351029.64), dbSNP rs145427063, ClinGen allele CA3423194.

ClinVar aggregate classification (germline): Conflicting classifications of pathogenicity. Review status: criteria provided, conflicting classifications (1 of 4 stars). 10 submissions from 10 submitters: Uncertain significance (8); Likely benign (2). Last evaluated 2025-12-27.

Conditions:
Myofibrillar myopathy 3 (MFM3). Also called: Muscular dystrophy, proximal, type 1A; Autosomal dominant spheroid body myopathy. Identifiers: Orphanet 266, Orphanet 268129, MedGen C3714934, MONDO:0012215, OMIM 609200.
Inborn genetic diseases. Identifiers: MedGen C0950123, MeSH D030342.

Allele frequency attached by ClinVar (database versions not stated): ESP Exome Variant Server 0.00031; TOPMed 0.00010.
gnomAD v4.1: 287 of 1,613,918 alleles (0.018%); highest among the groups gnomAD compares: Non-Finnish European, 0.022%; no homozygotes.

Submissions (10):

Labcorp Genetics (formerly Invitae), Labcorp
Classification: Uncertain significance for Myofibrillar myopathy 3. Last evaluated: 2025-12-27. Review status: criteria provided, single submitter. Criteria: Invitae Variant Classification Sherloc (09022015). Collection method: clinical testing. Allele origin: germline.
Comment: This sequence change replaces asparagine, which is neutral and polar, with lysine, which is basic and polar, at codon 467 of the MYOT protein (p.Asn467Lys). This variant is present in population databases (rs145427063, gnomAD 0.03%). This variant has not been reported in the literature in individuals affected with MYOT-related conditions. ClinVar contains an entry for this variant (Variation ID: 351029). An algorithm developed to predict the effect of missense changes on protein structure and function (PolyPhen-2) suggests that this variant is likely to be disruptive. In summary, the available evidence is currently insufficient to determine the role of this variant in disease. Therefore, it has been classified as a Variant of Uncertain Significance.

Women's Health and Genetics/Laboratory Corporation of America, LabCorp
Classification: Likely benign. Last evaluated: 2025-07-11. Review status: criteria provided, single submitter. Criteria: LabCorp Variant Classification Summary - May 2015. Collection method: clinical testing. Allele origin: germline.

Blueprint Genetics
Classification: Likely benign. Last evaluated: 2024-02-29. Review status: criteria provided, single submitter. Criteria: ACMG Guidelines, 2015. Collection method: clinical testing. Allele origin: germline.

Revvity Omics, Revvity
Classification: Uncertain significance for Myofibrillar myopathy 3. Last evaluated: 2023-01-13. Review status: criteria provided, single submitter. Criteria: ACMG Guidelines, 2015. Collection method: clinical testing. Allele origin: germline.

Ambry Genetics
Classification: Uncertain significance for Inborn genetic diseases. Last evaluated: 2022-10-12. Review status: criteria provided, single submitter. Criteria: Ambry Variant Classification Scheme 2023. Collection method: clinical testing. Allele origin: germline.

Fulgent Genetics
Classification: Uncertain significance for Myofibrillar myopathy 3. Last evaluated: 2018-10-31. Review status: criteria provided, single submitter. Criteria: ACMG Guidelines, 2015. Collection method: clinical testing. Allele origin: unknown.

Illumina Laboratory Services, Illumina
Classification: Uncertain significance for Myofibrillar myopathy 3. Last evaluated: 2018-01-13. Review status: criteria provided, single submitter. Criteria: ICSL Variant Classification Criteria 13 December 2019. Collection method: clinical testing. Allele origin: germline.

GeneDx
Classification: Uncertain significance. Last evaluated: 2017-06-22. Review status: criteria provided, single submitter. Criteria: GeneDx Variant Classification (06012015). Collection method: clinical testing. Allele origin: germline. Affected: yes.
Comment: A variant of uncertain significance has been identified in the MYOT gene. The N467K variant has not been published as a pathogenic variant, nor has it been reported as a benign variant to our knowledge. The N467K variant is observed in 1/6,614 (0.015%) alleles from individuals of Finnish background in large population cohorts (Lek et al., 2016). The N467K variant is a semi-conservative amino acid substitution, which may impact secondary protein structure as these residues differ in some properties. This substitution occurs at a position that is conserved across species. However, in silico analysis is inconsistent in its predictions as to whether or not the variant is damaging to the protein structure/function. Therefore, based on the currently available information, it is unclear whether this variant is a pathogenic variant or a rare benign variant.

Eurofins Ntd Llc (ga)
Classification: Uncertain significance. Last evaluated: 2017-04-14. Review status: criteria provided, single submitter. Criteria: EGL Classification Definitions 2015. Collection method: clinical testing. Allele origin: germline. Observed: 1 variant allele, 1 heterozygote.

CeGaT Center for Human Genetics Tuebingen
Classification: Uncertain significance. Last evaluated: 2016-12-01. Review status: criteria provided, single submitter. Criteria: CeGaT Center For Human Genetics Tuebingen Variant Classification Criteria Version 2. Collection method: clinical testing. Allele origin: germline. Affected: yes. Observed: 1 variant allele.